The following is an entry in ClinVar:

ClinVar aggregate classification (germline): Pathogenic (1 of 4 stars; one submission).

Conditions:
Joubert syndrome 21 (JBTS21). Identifiers: MedGen C3810212, MONDO:0014288, OMIM 615636.

Submission:

Women's Health and Genetics/Laboratory Corporation of America, LabCorp
Classification: Pathogenic for Joubert syndrome 21. Last evaluated: 2024-06-10. Review status: criteria provided, single submitter. Criteria: LabCorp Variant Classification Summary - May 2015. Collection method: clinical testing. Allele origin: germline.
Comment: Variant summary: The variant involves the deletion of exons 7-16 in the CSPP1 gene. A presumed nomenclature of c.(950+1_951-1)_(2113+1_2114-1)del has been designated for the purposes of this classification. This Copy Number Variant (CNV) is expected to alter the reading frame and predicted to result in a truncation or absence of the encoded protein due to nonsense mediated decay (NMD). The variant was absent in 21694 control chromosomes (gnomAD Structural Variants Dataset). To our knowledge, no occurrence of c.(950+1_951-1)_(2113+1_2114-1)del in individuals affected with Joubert Syndrome 21 and no experimental evidence demonstrating its impact on protein function have been reported. No submitters have cited clinical-significance assessments for this variant to ClinVar. However, ClinVar contains an entry for a similar variant (Exon 11-16 deletion; ID:685068). Based on the evidence outlined above, the variant was classified as pathogenic.

NC_000008.10:g.(68007968_68015271)_(68062171_68066258)del

Gene: CSPP1 (centrosome and spindle pole associated protein 1; plus strand). Cytogenetic location: 8q13.2.
Variant type: Deletion.
Identifiers: ClinVar variation 3339669 (VCV003339669.1).